The following is an entry in ClinVar:

NM_001999.4(FBN2):c.6064G>A (p.Ala2022Thr)

Gene: FBN2 (fibrillin 2; minus strand). Cytogenetic location: 5q23.3.
Variant type: single nucleotide variant.
Coding change: c.6064G>A on transcript NM_001999.4 (MANE Select); coding-DNA position 6064, G replaced by A.
Protein change: p.Ala2022Thr; replaces alanine 2022 with threonine.
Molecular consequence: missense variant.
Genome position (GRCh38, 1-based): chr5:128,300,919, C>T on the plus strand (G>A on the coding strand, the complement: FBN2 is on the minus strand). VCF-style: chr5-128300919-C-T. GRCh37 (hg19) VCF-style: chr5-127636611-C-T.
Other names: short protein forms A2022T.
Identifiers: ClinVar variation 1343083 (VCV001343083.13), dbSNP rs545524318, ClinGen allele CA3394507.

ClinVar aggregate classification (germline): Conflicting classifications of pathogenicity. Review status: criteria provided, conflicting classifications (1 of 4 stars). 5 submissions from 5 submitters: Uncertain significance (2); Benign (1); Likely benign (2). Last evaluated 2026-08-01.

Conditions:
Congenital contractural arachnodactyly (CCA). Also called: BEALS SYNDROME; Beals-Hecht syndrome; Arthrogryposis, distal, type 9. Identifiers: Orphanet 115, MedGen C0220668, MONDO:0007363, OMIM 121050.
Familial thoracic aortic aneurysm and aortic dissection (TAAD). Also called: Thoracic aortic aneurysms and dissections. Identifiers: Orphanet 91387, MedGen C4707243, MONDO:0019625.

Allele frequency attached by ClinVar (database versions not stated): gnomAD exomes 0.00003 and 0.00005; TOPMed 0.00009; gnomAD 0.00013 and 0.00014; ExAC 0.00003.
gnomAD v4.1: 65 of 1,613,416 alleles (0.004%); highest among the groups gnomAD compares: Admixed American, 0.03%; 1 homozygote.

Submissions (5):

CeGaT Center for Human Genetics Tuebingen
Classification: Likely benign. Last evaluated: 2026-08-01. Review status: criteria provided, single submitter. Criteria: CeGaT Center For Human Genetics Tuebingen Variant Classification Criteria Version 2. Collection method: clinical testing. Allele origin: germline. Affected: yes. Observed: 1 variant allele.
Comment: FBN2: BP4

Labcorp Genetics (formerly Invitae), Labcorp
Classification: Benign for Congenital contractural arachnodactyly. Last evaluated: 2025-12-10. Review status: criteria provided, single submitter. Criteria: Invitae Variant Classification Sherloc (09022015). Collection method: clinical testing. Allele origin: germline.

Ambry Genetics
Classification: Uncertain significance for Familial thoracic aortic aneurysm and aortic dissection. Last evaluated: 2025-03-25. Review status: criteria provided, single submitter. Criteria: Ambry Variant Classification Scheme 2023. Collection method: clinical testing. Allele origin: germline.
Comment: The p.A2022T variant (also known as c.6064G>A), located in coding exon 48 of the FBN2 gene, results from a G to A substitution at nucleotide position 6064. The alanine at codon 2022 is replaced by threonine, an amino acid with similar properties. This amino acid position is not well conserved in available vertebrate species. In addition, this alteration is predicted to be tolerated by in silico analysis. Based on the available evidence, the clinical significance of this variant remains unclear.

Women's Health and Genetics/Laboratory Corporation of America, LabCorp
Classification: Likely benign. Last evaluated: 2024-07-23. Review status: criteria provided, single submitter. Criteria: LabCorp Variant Classification Summary - May 2015. Collection method: clinical testing. Allele origin: germline.
Comment: Variant summary: FBN2 c.6064G>A (p.Ala2022Thr) results in a non-conservative amino acid change located in the EGF-like domain (IPR000742) of the encoded protein sequence. Three of five in-silico tools predict a benign effect of the variant on protein function. The variant allele was found at a frequency of 4.8e-05 in 251172 control chromosomes. The observed variant frequency is approximately 38-fold of the estimated maximal expected allele frequency for a pathogenic variant in FBN2 causing Aortopathy phenotype (1.3e-06). c.6064G>A has been reported in the literature in an individual affected with spontaneous coronary artery dissection who also carried a variant of uncertain significance in the MYLK gene (Antonutti_2021). This report does not provide unequivocal conclusions about association of the variant with Aortopathy. To our knowledge, no experimental evidence demonstrating an impact on protein function has been reported. The following publication has been ascertained in the context of this evaluation (PMID: 33190788). ClinVar contains an entry for this variant (Variation ID: 1343083). Based on the evidence outlined above, the variant was classified as likely benign.

GeneDx
Classification: Uncertain significance. Last evaluated: 2022-11-21. Review status: criteria provided, single submitter. Criteria: GeneDx Variant Classification Process June 2021. Collection method: clinical testing. Allele origin: germline. Affected: yes.
Comment: Reported in a patient with spontaneous coronary artery dissection who also harbored a MYLK variant of uncertain significance (Antonutti et al., 2020); In silico analysis supports that this missense variant does not alter protein structure/function; Although located in a calcium-binding EGF-like domain of the FBN2 gene, it does not substitute or introduce a cysteine residue (Callewaert et al., 2009; Frederic et al., 2009); This variant is associated with the following publications: (PMID: 33190788)

Literature cited by the submitters: PubMed 33190788 (cited by Women's Health and Genetics/Laboratory Corporation of America, LabCorp).